The following is an entry in ClinVar:

NM_001330360.2(POLA1):c.2288G>A (p.Cys763Tyr)

Gene: POLA1 (DNA polymerase alpha 1, catalytic subunit; plus strand). Cytogenetic location: Xp22.11.
Variant type: single nucleotide variant.
Coding change: c.2288G>A on transcript NM_001330360.2 (MANE Select); coding-DNA position 2288, G replaced by A.
Protein change: p.Cys763Tyr; replaces cysteine 763 with tyrosine.
Molecular consequence: missense variant. On other transcripts: non-coding transcript variant (2).
Genome position (GRCh38, 1-based): chrX:24,741,446, G>A. VCF-style: chrX-24741446-G-A. GRCh37 (hg19) VCF-style: chrX-24759563-G-A.
Other names: c.2213G>A, p.Cys738Tyr (NM_001378303.1); c.2270G>A, p.Cys757Tyr (NM_016937.4); short protein forms C738Y, C757Y, C763Y.
Identifiers: ClinVar variation 3603007 (VCV003603007.2).

ClinVar aggregate classification (germline): Uncertain significance (1 of 4 stars; one submission).

gnomAD v4.1: 15 of 1,196,458 alleles (0.0013%); highest among the groups gnomAD compares: South Asian, 0.027%; no homozygotes.

Submission:

GeneDx
Classification: Uncertain significance. Last evaluated: 2026-09-11. Review status: criteria provided, single submitter. Criteria: GeneDx Variant Classification Process June 2021. Collection method: clinical testing. Allele origin: germline.
Comment: In silico analysis suggests that this missense variant does not alter protein structure/function; Has not been previously published as pathogenic or benign to our knowledge